The following is an entry in ClinVar:

ClinVar aggregate classification (germline): Likely benign (1 of 4 stars; one submission).

Submission:

CeGaT Center for Human Genetics Tuebingen
Classification: Likely benign. Last evaluated: 2024-03-01. Review status: criteria provided, single submitter. Criteria: CeGaT Center For Human Genetics Tuebingen Variant Classification Criteria Version 2. Collection method: clinical testing. Allele origin: germline. Affected: yes. Observed: 1 variant allele.
Comment: DYRK3: PM2:Supporting, BP4, BP7

NM_003582.4(DYRK3):c.837A>T (p.Thr279=)

Gene: DYRK3 (dual specificity tyrosine phosphorylation regulated kinase 3; plus strand). Cytogenetic location: 1q32.1.
Variant type: single nucleotide variant.
Coding change: c.837A>T on transcript NM_003582.4 (MANE Select); coding-DNA position 837, A replaced by T.
Protein change: p.Thr279=; no amino-acid change (threonine 279 retained).
Molecular consequence: synonymous variant.
Genome position (GRCh38, 1-based): chr1:206,648,035, A>T. VCF-style: chr1-206648035-A-T. GRCh37 (hg19) VCF-style: chr1-206821380-A-T.
Other names: c.777A>T, p.Thr259= (NM_001004023.3).
Identifiers: ClinVar variation 3234451 (VCV003234451.20), dbSNP rs782269982, ClinGen allele CA423134733.